The following is an entry in ClinVar:

ClinVar aggregate classification (germline): Benign/Likely benign. Review status: criteria provided, multiple submitters, no conflicts (2 of 4 stars). 5 submissions from 5 submitters: Benign (1); Likely benign (2). 2 of the submissions do not count toward it. Last evaluated 2026-09-01.

Conditions:
JAK2-related disorder. Also called: JAK2-related condition.

Allele frequency attached by ClinVar (database versions not stated): 1000 Genomes Project 30x 0.00109; 1000 Genomes Project 0.00140; TOPMed 0.00141; ESP Exome Variant Server 0.00154; gnomAD exomes 0.00034; ExAC 0.00037; gnomAD 0.00099.
gnomAD v4.1: 376 of 1,610,998 alleles (0.023%); highest among the groups gnomAD compares: African/African-American, 0.42%; 2 homozygotes.

Submissions (5):

CeGaT Center for Human Genetics Tuebingen
Classification: Likely benign. Last evaluated: 2026-09-01. Review status: criteria provided, single submitter. Criteria: CeGaT Center For Human Genetics Tuebingen Variant Classification Criteria Version 2. Collection method: clinical testing. Allele origin: germline. Affected: yes. Observed: 1 variant allele.
Comment: JAK2: BP4, BS1

Labcorp Genetics (formerly Invitae), Labcorp
Classification: Benign. Last evaluated: 2026-01-27. Review status: criteria provided, single submitter. Criteria: Invitae Variant Classification Sherloc (09022015). Collection method: clinical testing. Allele origin: germline.

Blueprint Genetics
Classification: Likely benign. Last evaluated: 2024-08-21. Review status: criteria provided, single submitter. Criteria: ACMG Guidelines, 2015. Collection method: clinical testing. Allele origin: germline.

PreventionGenetics, part of Exact Sciences
Classification: Likely benign for JAK2-related condition. Last evaluated: 2023-09-12. Review status: no assertion criteria provided. Collection method: clinical testing. Allele origin: germline. Not counted in ClinVar's aggregate classification.
Comment: This variant is classified as likely benign based on ACMG/AMP sequence variant interpretation guidelines (Richards et al. 2015 PMID: 25741868, with internal and published modifications).

ITMI
No classification provided. Condition: AllHighlyPenetrant. Last evaluated: 2013-09-19. Review status: no classification provided. Collection method: reference population. Allele origin: germline. Not counted in ClinVar's aggregate classification.
Comment: Please see associated publication for description of ethnicities

Literature cited by the submitters: PubMed 24728327 (cited by ITMI).

NM_004972.4(JAK2):c.1009A>G (p.Asn337Asp)

Genes: INSL6 (insulin like 6; minus strand), JAK2 (Janus kinase 2; plus strand). Cytogenetic location: 9p24.1.
Variant type: single nucleotide variant.
Coding change: c.1009A>G on transcript NM_004972.4 (MANE Select); coding-DNA position 1009, A replaced by G.
Protein change: p.Asn337Asp; replaces asparagine 337 with aspartic acid.
Molecular consequence: missense variant. On other transcripts: 5 prime UTR variant (2), non-coding transcript variant (2).
Genome position (GRCh38, 1-based): chr9:5,055,741, A>G. VCF-style: chr9-5055741-A-G. GRCh37 (hg19) VCF-style: chr9-5055741-A-G.
Other names: c.1009A>G (NM_004972.3); c.1009A>G, p.Asn337Asp (NM_001322194.2, NM_001322195.2, NM_001322196.2); c.-207A>G (NM_001322198.2, NM_001322199.2); c.562A>G, p.Asn188Asp (NM_001322204.2); short protein forms N337D, N188D.
Identifiers: ClinVar variation 134562 (VCV000134562.10), dbSNP rs149683525, ClinGen allele CA160192.